The following is an entry in ClinVar:

ClinVar aggregate classification (germline): Uncertain significance. Review status: criteria provided, multiple submitters, no conflicts (2 of 4 stars). 2 submissions from 2 submitters: Uncertain significance (2). Last evaluated 2024-04-25.

Allele frequency attached by ClinVar (database versions not stated): gnomAD 0.00001; TOPMed 0.00001; gnomAD exomes 0.00002.
gnomAD v4.1: 37 of 1,598,502 alleles (0.0023%); highest among the groups gnomAD compares: Middle Eastern, 0.017%; no homozygotes.

Submissions (2):

Labcorp Genetics (formerly Invitae), Labcorp
Classification: Uncertain significance. Last evaluated: 2024-04-25. Review status: criteria provided, single submitter. Criteria: Invitae Variant Classification Sherloc (09022015). Collection method: clinical testing. Allele origin: germline.
Comment: This sequence change replaces proline, which is neutral and non-polar, with leucine, which is neutral and non-polar, at codon 416 of the LOX protein (p.Pro416Leu). This variant is present in population databases (rs770316240, gnomAD 0.003%). This variant has not been reported in the literature in individuals affected with LOX-related conditions. ClinVar contains an entry for this variant (Variation ID: 1313512). An algorithm developed to predict the effect of missense changes on protein structure and function (PolyPhen-2) suggests that this variant is likely to be disruptive. In summary, the available evidence is currently insufficient to determine the role of this variant in disease. Therefore, it has been classified as a Variant of Uncertain Significance.

GeneDx
Classification: Uncertain significance. Last evaluated: 2020-10-26. Review status: criteria provided, single submitter. Criteria: GeneDx Variant Classification Process June 2021. Collection method: clinical testing. Allele origin: germline. Affected: yes.
Comment: Has not been previously published as pathogenic or benign to our knowledge; Not observed at a significant frequency in large population cohorts (Lek et al., 2016); In silico analysis supports that this missense variant has a deleterious effect on protein structure/function

NM_002317.7(LOX):c.1247C>T (p.Pro416Leu)

Genes: LOX (lysyl oxidase; minus strand), SRFBP1 (serum response factor binding protein 1; plus strand). Cytogenetic location: 5q23.1.
Variant type: single nucleotide variant.
Coding change: c.1247C>T on transcript NM_002317.7 (MANE Select); coding-DNA position 1247, C replaced by T.
Protein change: p.Pro416Leu; replaces proline 416 with leucine.
Molecular consequence: missense variant.
Genome position (GRCh38, 1-based): chr5:122,070,053, G>A on the plus strand (C>T on the coding strand, the complement: LOX is on the minus strand). VCF-style: chr5-122070053-G-A. GRCh37 (hg19) VCF-style: chr5-121405748-G-A.
Other names: c.557C>T, p.Pro186Leu (NM_001178102.2); c.356C>T, p.Pro119Leu (NM_001317073.1); short protein forms P119L, P186L, P416L.
Identifiers: ClinVar variation 1313512 (VCV001313512.5), dbSNP rs770316240, ClinGen allele CA3383809.
Genomic context (GRCh38, chr5:122,070,053, plus strand): 5'-TTTGGCATGAACAAAAATTATTTGTGACAACAATTACTTAGCTAAGCAAATAACACTTAC[G>A]GTGAAATTGTGCAGCCTGAGGCATACGCATGATGTCCTGTGTAGCGAATGTCACAGCGCA-3'
Protein context (NP_002308.2, residues 406-417): HAYASGCTIS[Pro416Leu]Y